The following is an entry in ClinVar:

NM_001099403.2(PRDM8):c.1235A>T (p.Glu412Val)

Gene: PRDM8 (PR/SET domain 8; plus strand). Cytogenetic location: 4q21.21.
Variant type: single nucleotide variant.
Coding change: c.1235A>T on transcript NM_001099403.2 (MANE Select); coding-DNA position 1235, A replaced by T.
Protein change: p.Glu412Val; replaces glutamic acid 412 with valine.
Molecular consequence: missense variant.
Genome position (GRCh38, 1-based): chr4:80,202,697, A>T. VCF-style: chr4-80202697-A-T. GRCh37 (hg19) VCF-style: chr4-81123851-A-T.
Other names: c.1235A>T, p.Glu412Val (NM_020226.4); c.1235A>T (NM_020226.3); short protein forms E412V.
Identifiers: ClinVar variation 1409836 (VCV001409836.10), dbSNP rs1032197214, ClinGen allele CA100000854.
Genomic context (GRCh38, chr4:80,202,697, plus strand): 5'-CTGCCCGCGCGGCCAGCCTGCAGGAGGAGGGGACAGCCGACGGCGCGGGAGTCGCCTCCG[A>T]GGACCAGGACGCTGGCGGCGGCGGCGGCTCCTCCACGCCCGCGGCCGCGTCACCGGTGGG-3'
Protein context (NP_001092873.1, residues 402-422): GTADGAGVAS[Glu412Val]DQDAGGGGGS

ClinVar aggregate classification (germline): Uncertain significance. Review status: criteria provided, multiple submitters, no conflicts (2 of 4 stars). 2 submissions from 2 submitters: Uncertain significance (2). Last evaluated 2025-05-20.

Conditions:
Early-onset Lafora body disease. Also called: Epilepsy, progressive myoclonic, 10. Identifiers: Orphanet 324290, MedGen C4225258, MONDO:0014717, OMIM 616640.

Allele frequency attached by ClinVar (database versions not stated): gnomAD 0.00009 and 0.00010; TOPMed 0.00011; 1000 Genomes Project 30x 0.00016.
gnomAD v4.1: 29 of 1,327,194 alleles (0.0022%); highest among the groups gnomAD compares: African/African-American, 0.044%; no homozygotes.

Submissions (2):

Ambry Genetics
Classification: Uncertain significance. Last evaluated: 2025-05-20. Review status: criteria provided, single submitter. Criteria: Ambry Variant Classification Scheme 2023. Collection method: clinical testing. Allele origin: germline.

Labcorp Genetics (formerly Invitae), Labcorp
Classification: Uncertain significance for Early-onset Lafora body disease. Last evaluated: 2022-07-18. Review status: criteria provided, single submitter. Criteria: Invitae Variant Classification Sherloc (09022015). Collection method: clinical testing. Allele origin: germline.
Comment: In summary, the available evidence is currently insufficient to determine the role of this variant in disease. Therefore, it has been classified as a Variant of Uncertain Significance. Algorithms developed to predict the effect of missense changes on protein structure and function are either unavailable or do not agree on the potential impact of this missense change (SIFT: "Deleterious"; PolyPhen-2: "Probably Damaging"; Align-GVGD: "Class C0"). ClinVar contains an entry for this variant (Variation ID: 1409836). This variant has not been reported in the literature in individuals affected with PRDM8-related conditions. This variant is present in population databases (no rsID available, gnomAD 0.02%). This sequence change replaces glutamic acid, which is acidic and polar, with valine, which is neutral and non-polar, at codon 412 of the PRDM8 protein (p.Glu412Val).